The following is an entry in ClinVar:

NM_001267550.2(TTN):c.62510G>C (p.Ser20837Thr)

Genes: TTN (titin; minus strand), TTN-AS1 (TTN antisense RNA 1; plus strand). Cytogenetic location: 2q31.2.
Variant type: single nucleotide variant.
Coding change: c.62510G>C on transcript NM_001267550.2 (MANE Select); coding-DNA position 62510, G replaced by C.
Protein change: p.Ser20837Thr; replaces serine 20837 with threonine.
Molecular consequence: missense variant.
Genome position (GRCh38, 1-based): chr2:178,589,215, C>G on the plus strand (G>C on the coding strand, the complement: TTN is on the minus strand). VCF-style: chr2-178589215-C-G. GRCh37 (hg19) VCF-style: chr2-179453942-C-G.
Other names: c.57587G>C, p.Ser19196Thr (NM_001256850.1); c.35315G>C, p.Ser11772Thr (NM_003319.4); c.54806G>C, p.Ser18269Thr (NM_133378.4); c.35690G>C, p.Ser11897Thr (NM_133432.3); c.35891G>C, p.Ser11964Thr (NM_133437.4); short protein forms S11772T, S11964T, S18269T, S19196T, S11897T, S20837T.
Identifiers: ClinVar variation 682490 (VCV000682490.1), dbSNP rs1576067404, ClinGen allele CA349464616.

ClinVar aggregate classification (germline): Likely benign (1 of 4 stars; one submission).

Submission:

GeneDx
Classification: Likely benign. Last evaluated: 2018-04-27. Review status: criteria provided, single submitter. Criteria: GeneDx Variant Classification (06012015). Collection method: clinical testing. Allele origin: germline. Affected: yes.
Comment: This variant is considered likely benign or benign based on one or more of the following criteria: it is a conservative change, it occurs at a poorly conserved position in the protein, it is predicted to be benign by multiple in silico algorithms, and/or has population frequency not consistent with disease.